The following is an entry in ClinVar:

ClinVar aggregate classification (germline): Uncertain significance (1 of 4 stars; one submission).

Allele frequency attached by ClinVar (database versions not stated): TOPMed below 0.00001; gnomAD 0.00001; 1000 Genomes Project 30x 0.00016; 1000 Genomes Project 0.00020.
gnomAD v4.1: 2 of 1,614,144 alleles (0.00012%); highest among the groups gnomAD compares: East Asian, 0.0022%; no homozygotes.

Submission:

Labcorp Genetics (formerly Invitae), Labcorp
Classification: Uncertain significance. Last evaluated: 2025-03-17. Review status: criteria provided, single submitter. Criteria: Invitae Variant Classification Sherloc (09022015). Collection method: clinical testing. Allele origin: germline.
Comment: This sequence change replaces leucine, which is neutral and non-polar, with valine, which is neutral and non-polar, at codon 1911 of the C2CD3 protein (p.Leu1911Val). This variant is not present in population databases (gnomAD no frequency). This variant has not been reported in the literature in individuals affected with C2CD3-related conditions. ClinVar contains an entry for this variant (Variation ID: 1355428). Invitae Evidence Modeling of protein sequence and biophysical properties (such as structural, functional, and spatial information, amino acid conservation, physicochemical variation, residue mobility, and thermodynamic stability) indicates that this missense variant is not expected to disrupt C2CD3 protein function with a negative predictive value of 80%. In summary, the available evidence is currently insufficient to determine the role of this variant in disease. Therefore, it has been classified as a Variant of Uncertain Significance.

NM_001286577.2(C2CD3):c.5731C>G (p.Leu1911Val)

Genes: C2CD3 (C2 domain containing 3 centriole elongation regulator; minus strand), LOC126861262 (CDK7 strongly-dependent group 2 enhancer GRCh37_chr11:73747696-73748895; plus strand). Cytogenetic location: 11q13.4.
Variant type: single nucleotide variant.
Coding change: c.5731C>G on transcript NM_001286577.2 (MANE Select); coding-DNA position 5731, C replaced by G.
Protein change: p.Leu1911Val; replaces leucine 1911 with valine.
Molecular consequence: missense variant.
Genome position (GRCh38, 1-based): chr11:74,037,628, G>C on the plus strand (C>G on the coding strand, the complement: C2CD3 is on the minus strand). VCF-style: chr11-74037628-G-C. GRCh37 (hg19) VCF-style: chr11-73748673-G-C.
Other names: c.5731C>G, p.Leu1911Val (NM_015531.6); short protein forms L1911V.
Identifiers: ClinVar variation 1355428 (VCV001355428.6), dbSNP rs577943892, ClinGen allele CA224507908.